The following is an entry in ClinVar:

ClinVar aggregate classification (germline): Likely pathogenic (1 of 4 stars; one submission).

Conditions:
Syndromic X-linked intellectual disability Najm type (MICPCH). Also called: Intellectual developmental disorder and microcephaly with pontine and cerebellar hypoplasia; Mental retardation and microcephaly with pontine and cerebellar hypoplasia; MENTAL RETARDATION, X-LINKED, SYNDROMIC, NAJM TYPE; MICPCH SYNDROME; Intellectual Disability and Microcephaly with Pontine and Cerebellar Hypoplasia; Intellectual Disability and Microcephaly with Pontine and Cerebellar Hypoplasia (MICPCH). Identifiers: Orphanet 163937, MedGen C2677903, MONDO:0010417, OMIM 300749.

Submissions (2):

Molecular Genetics Department, Kulakov National Medical Research Center for Obstetrics, Gynecology and Perinatology
Classification: Likely pathogenic for Syndromic X-linked intellectual disability Najm type. Review status: criteria provided, single submitter. Criteria: ACMG Guidelines, 2015. Collection method: clinical testing. Allele origin: germline. Affected: yes.
Comment: A previously undescribed nucleotide variant creates an alteration of the canonical splice site c.173-1G>A in the CASK gene. Hemizygous and heterozygous loss-of-function variants are reported in patients with Intellectual developmental disorder and microcephaly with pontine and cerebellar hypoplasia, 300749. Another variant in the same splice site was previously reported as de novo in patient with intellectual deficiency and microcephaly [Burglenet al., 2012, PMID: 22452838; Moog et al., 2011, PMID: 21954287].The variant is not present in population database (gnomAD no frequency). In summary, the currently available evidence indicates that the variant is pathogenic, but additional data are needed to prove that conclusively. Therefore, this variant has been classified as likely pathogenic.

Dr. Peter K. Rogan Lab, Western University
No classification provided (evidence only). Condition: Thyroid cancer, nonmedullary, 1. Review status: no classification provided. Collection method: in vitro. Allele origin: not applicable. Functional consequence: retained intron. Not counted in ClinVar's aggregate classification.

NM_001367721.1(CASK):c.173-1G>A

Gene: CASK (calcium/calmodulin dependent serine protein kinase; minus strand). Cytogenetic location: Xp11.4.
Variant type: single nucleotide variant.
Coding change: c.173-1G>A on transcript NM_001367721.1 (MANE Select); the canonical splice acceptor site of the intron before coding-DNA position 173, G replaced by A.
Molecular consequence: splice acceptor variant.
Genome position (GRCh38, 1-based): chrX:41,787,284, C>T on the plus strand (G>A on the coding strand, the complement: CASK is on the minus strand). VCF-style: chrX-41787284-C-T. GRCh37 (hg19) VCF-style: chrX-41646537-C-T.
Other names: NC_000023.10:g.41646537C>T; c.173-1G>A (NM_001126055.3, NM_001410745.1, NM_001126054.3 and 1 more transcripts).
Identifiers: ClinVar variation 3062309 (VCV003062309.2), dbSNP rs2147833223, ClinGen allele CA413002761.